The following is an entry in ClinVar:

ClinVar aggregate classification (germline): Likely pathogenic (0 of 4 stars; one submission).

Conditions:
Tip-toe gait. Also called: Toe walking. Identifiers: MedGen C0427144, HP:0030051.

gnomAD v4.1: 1 of 1,613,544 alleles (0.000062%); highest among the groups gnomAD compares: Admixed American, 0.0017%; no homozygotes.

Submission:

Practice for Gait Abnormalities, David Pomarino, Competency Network Toe Walking C/o Practice Pomarino
Classification: Likely pathogenic for Tip-toe gait. Review status: no assertion criteria provided. Collection method: clinical testing. Allele origin: germline. Affected: yes.
Comment: Myopathy refers to diseases that affect skeletal Muscles. These diseases attack muscle fibers, making muscles weak. Inherited myopathies are often caused by inheriting an abnormal gene mutation from a parent that causes the disease. Symptoms of congenital myopathies usually start at birth or in early childhood, but may not appear until the teen years or even later in adulthood. Congenital myopathies are somewhat unique compared with other inherited myopathies, as weakness typically affects all muscles and is often not progressive. Symptoms are: Muscle weakness, most commonly of upper arms and shoulders and thighs, muscle cramps, stiffness and spasms, fatigue with exertion and lack of energy. Our patients all walk on tiptoe, so they show similar symptoms. When we genetically test them with our toe walking panel, we find that around 90 per cent of them have a genetic variant that explains their toe walking. These can be assigned, for example, to the area of myopathies (such as variants of the COL6A3 gene), the area of hereditary neuropathies (such as variants of the KMT2C gene) or the area of metabolic diseases (such as variants of the PYGM gene). In a smaller group of patients with almost identical symptoms, no abnormality is found in the genes of our panel, but spastic paraplegia can be detected. In another small group of our toe walkers, no abnormalities can be detected in the genes analysed in our toe walking panel, nor do they suffer from spastic paraplegia, as is also the case with healthy children. In contrast to these, however, they show a tiptoe gait. These patients suffer from infantile cerebral palsy, in which toe walking can also be observed.

Literature cited by the submitters: PubMed 37091313.

NM_001267550.2(TTN):c.78215G>A (p.Gly26072Asp)

Genes: TTN-AS1 (TTN antisense RNA 1; plus strand), TTN (titin; minus strand). Cytogenetic location: 2q31.2.
Variant type: single nucleotide variant.
Coding change: c.78215G>A on transcript NM_001267550.2 (MANE Select); coding-DNA position 78215, G replaced by A.
Protein change: p.Gly26072Asp; replaces glycine 26072 with aspartic acid.
Molecular consequence: missense variant.
Genome position (GRCh38, 1-based): chr2:178,567,917, C>T on the plus strand (G>A on the coding strand, the complement: TTN is on the minus strand). VCF-style: chr2-178567917-C-T. GRCh37 (hg19) VCF-style: chr2-179432644-C-T.
Other names: c.73292G>A, p.Gly24431Asp (NM_001256850.1); c.51020G>A, p.Gly17007Asp (NM_003319.4); c.70511G>A, p.Gly23504Asp (NM_133378.4); c.51395G>A, p.Gly17132Asp (NM_133432.3); c.51596G>A, p.Gly17199Asp (NM_133437.4); short protein forms G17007D, G17132D, G17199D, G23504D, G24431D, G26072D.
Identifiers: ClinVar variation 1679098 (VCV001679098.3), dbSNP rs773200867, ClinGen allele CA349603502.